The following is an entry in ClinVar:

NM_000376.3(VDR):c.*2974A>T

Gene: VDR (vitamin D receptor; minus strand). Cytogenetic location: 12q13.11.
Variant type: single nucleotide variant.
Coding change: c.*2974A>T on transcript NM_000376.3 (MANE Select); 2974 bases downstream of the stop codon, A replaced by T.
Molecular consequence: 3 prime UTR variant.
Genome position (GRCh38, 1-based): chr12:47,841,772, T>A on the plus strand (A>T on the coding strand, the complement: VDR is on the minus strand). VCF-style: chr12-47841772-T-A. GRCh37 (hg19) VCF-style: chr12-48235555-T-A.
Other names: c.*2974A>T (NM_001017535.2, NM_001017536.2, NM_001374661.1 and 1 more transcripts); c.*2773A>T (NM_001364085.2).
Identifiers: ClinVar variation 308811 (VCV000308811.5), dbSNP rs11574139, ClinGen allele CA10632815.
Genomic context (GRCh38, chr12:47,841,772, plus strand): 5'-CGCTGCCATATCTCTAGCTTTCACTAAATCTGCCACACATTCCTGCCTTCTCTGTTGACC[T>A]CGCTTGGATTCTCCTACATGCTTCCAGTTAGCCAGCCAGAGGATTTTCCTGTCTCTGGGA-3'

ClinVar aggregate classification (germline): Likely benign (1 of 4 stars; one submission).

Conditions:
Vitamin D-dependent rickets type II with alopecia (VDDR2A). Also called: HYPOCALCEMIC VITAMIN D-RESISTANT RICKETS; Vitamin D-dependent rickets, type 2A; PDDR IIA; PSEUDOVITAMIN D-DEFICIENCY, TYPE IIA; RICKETS, HEREDITARY VITAMIN D-RESISTANT; RICKETS-ALOPECIA SYNDROME. Identifiers: Orphanet 93160, MedGen C0342646, MONDO:0010186, OMIM 277440.

Allele frequency attached by ClinVar (database versions not stated): TOPMed 0.03002; 1000 Genomes Project 0.03035; 1000 Genomes Project 30x 0.03123; gnomAD 0.03175 and 0.03207; gnomAD exomes 0.04861.
gnomAD v4.1: 4,919 of 152,460 alleles (3.2%); highest among the groups gnomAD compares: Middle Eastern, 5.8%; 109 homozygotes.

Submission:

Illumina Laboratory Services, Illumina
Classification: Likely benign for Vitamin D-dependent rickets type II with alopecia. Last evaluated: 2018-01-13. Review status: criteria provided, single submitter. Criteria: ICSL Variant Classification Criteria 13 December 2019. Collection method: clinical testing. Allele origin: germline.
Comment: This variant was observed in the ICSL laboratory as part of a predisposition screen in an ostensibly healthy population. It had not been previously curated by ICSL or reported in the Human Gene Mutation Database (HGMD: prior to June 1st, 2018), and was therefore a candidate for classification through an automated scoring system. Utilizing variant allele frequency, disease prevalence and penetrance estimates, and inheritance mode, an automated score was calculated to assess if this variant is too frequent to cause the disease. Based on the score and internal cut-off values, a variant classified as likely benign is not then subjected to further curation. The score for this variant resulted in a classification of likely benign for this disease.